The following is an entry in ClinVar:

NM_000784.4(CYP27A1):c.1025A>G (p.Asn342Ser)

Gene: CYP27A1 (cytochrome P450 family 27 subfamily A member 1; plus strand). Cytogenetic location: 2q35.
Variant type: single nucleotide variant.
Coding change: c.1025A>G on transcript NM_000784.4 (MANE Select); coding-DNA position 1025, A replaced by G.
Protein change: p.Asn342Ser; replaces asparagine 342 with serine.
Molecular consequence: missense variant.
Genome position (GRCh38, 1-based): chr2:218,814,028, A>G. VCF-style: chr2-218814028-A-G. GRCh37 (hg19) VCF-style: chr2-219678751-A-G.
Other names: short protein forms N342S.
Identifiers: ClinVar variation 1548220 (VCV001548220.17), dbSNP rs778458082, ClinGen allele CA2112785.

ClinVar aggregate classification (germline): Conflicting classifications of pathogenicity. Review status: criteria provided, conflicting classifications (1 of 4 stars). 5 submissions from 5 submitters: Uncertain significance (4); Likely benign (1). Last evaluated 2026-08-08.

Conditions:
CYP27A1-related disorder. Also called: CYP27A1-related condition.
Cholestanol storage disease (CTX). Also called: CTX: Cerebrotendinous xanthomatosis; Cerebrotendinous Xanthomatosis; CEREBRAL CHOLESTERINOSIS. Identifiers: Orphanet 909, MedGen C0238052, MONDO:0008948, OMIM 213700.
Cardiovascular phenotype. Identifiers: MedGen CN230736.

Allele frequency attached by ClinVar (database versions not stated): gnomAD 0.00004; TOPMed 0.00005; gnomAD exomes 0.00011; ExAC 0.00013.
gnomAD v4.1: 42 of 1,613,894 alleles (0.0026%); highest among the groups gnomAD compares: Admixed American, 0.048%; no homozygotes.

Submissions (5):

PreventionGenetics, part of Exact Sciences
Classification: Uncertain significance for CYP27A1-related condition. Last evaluated: 2026-08-08. Review status: criteria provided, single submitter. Criteria: ACMG Guidelines, 2015. Collection method: clinical testing. Allele origin: germline.
Comment: The CYP27A1 c.1025A>G variant is predicted to result in the amino acid substitution p.Asn342Ser. This variant was reported in a cohort study of neonates with prolonged neonatal jaundice (Supplementary Table 1, Xiao et al., 2022. PubMed ID: 35851034). This variant is reported in 0.064% of alleles in individuals of Latino descent in gnomAD, which may be too frequent to be a primary cause of disease. Although we suspect that this variant may be benign, at this time, the clinical significance of this variant is uncertain due to the absence of conclusive functional and genetic evidence.

Labcorp Genetics (formerly Invitae), Labcorp
Classification: Likely benign for Cholestanol storage disease. Last evaluated: 2026-01-18. Review status: criteria provided, single submitter. Criteria: Invitae Variant Classification Sherloc (09022015). Collection method: clinical testing. Allele origin: germline.

Ambry Genetics
Classification: Uncertain significance for Cardiovascular phenotype. Last evaluated: 2025-03-21. Review status: criteria provided, single submitter. Criteria: Ambry Variant Classification Scheme 2023. Collection method: clinical testing. Allele origin: germline.

Women's Health and Genetics/Laboratory Corporation of America, LabCorp
Classification: Uncertain significance. Last evaluated: 2022-05-24. Review status: criteria provided, single submitter. Criteria: LabCorp Variant Classification Summary - May 2015. Collection method: clinical testing. Allele origin: germline.
Comment: Variant summary: CYP27A1 c.1025A>G (p.Asn342Ser) results in a conservative amino acid change in the encoded protein sequence. Three of five in-silico tools predict a benign effect of the variant on protein function. The variant allele was found at a frequency of 0.00011 in 251384 control chromosomes (gnomAD). This frequency is not significantly higher than expected for a pathogenic variant in CYP27A1 causing Cerebrotendinous Xanthomatosis (0.00011 vs 0.0011), allowing no conclusion about variant significance. To our knowledge, no occurrence of c.1025A>G in individuals affected with Cerebrotendinous Xanthomatosis and no experimental evidence demonstrating its impact on protein function have been reported. One ClinVar submitter has assessed the variant since 2014: the variant was classified as likely benign. Based on the evidence outlined above, the variant was classified as uncertain significance.

Revvity Omics, Revvity
Classification: Uncertain significance for Cholestanol storage disease. Last evaluated: 2021-04-15. Review status: criteria provided, single submitter. Criteria: ACMG Guidelines, 2015. Collection method: clinical testing. Allele origin: germline.